The following is an entry in ClinVar:

NM_002880.4(RAF1):c.835-362C>T

Gene: RAF1 (Raf-1 proto-oncogene, serine/threonine kinase; minus strand). Cytogenetic location: 3p25.2.
Variant type: single nucleotide variant.
Coding change: c.835-362C>T on transcript NM_002880.4 (MANE Select); 362 bases into the intron before coding-DNA position 835, C replaced by T.
Molecular consequence: intron variant.
Genome position (GRCh38, 1-based): chr3:12,600,777, G>A on the plus strand (C>T on the coding strand, the complement: RAF1 is on the minus strand). VCF-style: chr3-12600777-G-A. GRCh37 (hg19) VCF-style: chr3-12642276-G-A.
Other names: c.493-362C>T (NM_001354695.3); c.592-362C>T (NM_001354692.3, NM_001354691.3); c.652-362C>T (NM_001354694.3); c.736-362C>T (NM_001354693.3); c.895-362C>T (NM_001354689.3); c.835-362C>T (NM_001354690.3).
Identifiers: ClinVar variation 2498923 (VCV002498923.28), dbSNP rs184694135, ClinGen allele CA11565712.

ClinVar aggregate classification (germline): Likely benign (1 of 4 stars; one submission).

Allele frequency attached by ClinVar (database versions not stated): 1000 Genomes Project 0.00120; 1000 Genomes Project 30x 0.00187; gnomAD 0.00335; TOPMed 0.00351.
gnomAD v4.1: 511 of 152,342 alleles (0.34%); highest among the groups gnomAD compares: Admixed American, 0.54%; 1 homozygote.

Submission:

CeGaT Center for Human Genetics Tuebingen
Classification: Likely benign. Last evaluated: 2024-11-01. Review status: criteria provided, single submitter. Criteria: CeGaT Center For Human Genetics Tuebingen Variant Classification Criteria Version 2. Collection method: clinical testing. Allele origin: germline. Affected: yes. Observed: 12 variant alleles.
Comment: RAF1: BS1